The following is an entry in ClinVar:

ClinVar aggregate classification (germline): Pathogenic (1 of 4 stars; one submission).

Conditions:
Epilepsy, familial focal, with variable foci 1 (FFEVF1). Also called: DEPDC5-Related Epilepsy. Identifiers: MedGen C4551983, MONDO:0024556, OMIM 604364.

Submission:

Women's Health and Genetics/Laboratory Corporation of America, LabCorp
Classification: Pathogenic for Epilepsy, familial focal, with variable foci 1. Last evaluated: 2026-01-27. Review status: criteria provided, single submitter. Criteria: LabCorp Variant Classification Summary - May 2015. Collection method: clinical testing. Allele origin: germline.
Comment: Variant summary: DEPDC5 c.1104C>A (p.Cys368X) results in a premature termination codon, predicted to cause absence of the protein due to nonsense mediated decay, which is a commonly known mechanism for disease. The frequency data for this variant in gnomAD is considered unreliable, as metrics indicate poor data quality at this position. To our knowledge, no occurrence of c.1104C>A in individuals affected with DEPDC5-related conditions and no experimental evidence demonstrating its impact on protein function have been reported. No submitters have cited clinical-significance assessments for this variant to ClinVar. Based on the evidence outlined above, the variant was classified as pathogenic.

NM_001242896.3(DEPDC5):c.1104C>A (p.Cys368Ter)

Gene: DEPDC5 (DEP domain containing 5, GATOR1 subcomplex subunit; plus strand). Cytogenetic location: 22q12.3.
Variant type: single nucleotide variant.
Coding change: c.1104C>A on transcript NM_001242896.3 (MANE Select); coding-DNA position 1104, C replaced by A.
Protein change: p.Cys368Ter; replaces cysteine 368 with a stop codon.
Molecular consequence: nonsense. On other transcripts: non-coding transcript variant (5).
Genome position (GRCh38, 1-based): chr22:31,804,184, C>A. VCF-style: chr22-31804184-C-A. GRCh37 (hg19) VCF-style: chr22-32200170-C-A.
Other names: c.1104C>A, p.Cys368Ter (NM_001007188.4, NM_001136029.4, NM_001242897.2 and 7 more transcripts); c.1020C>A, p.Cys340Ter (NM_001369901.1, NM_001369902.1); short protein forms C340*, C368*.
Identifiers: ClinVar variation 4689377 (VCV004689377.1).